The following is an entry in ClinVar:

ClinVar aggregate classification (germline): Uncertain significance (1 of 4 stars; one submission).

Submission:

GeneDx
Classification: Uncertain significance. Last evaluated: 2025-06-11. Review status: criteria provided, single submitter. Criteria: GeneDx Variant Classification Process June 2021. Collection method: clinical testing. Allele origin: germline. Affected: yes.
Comment: Not observed at significant frequency in large population cohorts (gnomAD); In silico analysis supports that this missense variant has a deleterious effect on protein structure/function; Has not been previously published as pathogenic or benign to our knowledge

NM_017852.5(NLRP2):c.2125A>G (p.Ser709Gly)

Gene: NLRP2 (NLR family pyrin domain containing 2; plus strand). Cytogenetic location: 19q13.42.
Variant type: single nucleotide variant.
Coding change: c.2125A>G on transcript NM_017852.5 (MANE Select); coding-DNA position 2125, A replaced by G.
Protein change: p.Ser709Gly; replaces serine 709 with glycine.
Molecular consequence: missense variant. On other transcripts: non-coding transcript variant (1).
Genome position (GRCh38, 1-based): chr19:54,985,141, A>G. VCF-style: chr19-54985141-A-G. GRCh37 (hg19) VCF-style: chr19-55496509-A-G.
Other names: c.2125A>G, p.Ser709Gly (NM_001174081.3); c.2059A>G, p.Ser687Gly (NM_001174082.3); c.2056A>G, p.Ser686Gly (NM_001174083.2); c.2116A>G, p.Ser706Gly (NM_001348003.2); short protein forms S686G, S687G, S706G, S709G.
Identifiers: ClinVar variation 4538159 (VCV004538159.1).